The following is an entry in ClinVar:

NM_152743.4(BRAT1):c.1499-1G>T

Gene: BRAT1 (BRCA1 associated ATM activator 1; minus strand). Cytogenetic location: 7p22.3.
Variant type: single nucleotide variant.
Coding change: c.1499-1G>T on transcript NM_152743.4 (MANE Select); the canonical splice acceptor site of the intron before coding-DNA position 1499, G replaced by T.
Molecular consequence: splice acceptor variant.
Genome position (GRCh38, 1-based): chr7:2,539,643, C>A on the plus strand (G>T on the coding strand, the complement: BRAT1 is on the minus strand). VCF-style: chr7-2539643-C-A. GRCh37 (hg19) VCF-style: chr7-2579277-C-A.
Other names: c.974-1G>T (NM_001350627.2); c.1499-1G>T (NM_001350626.2).
Identifiers: ClinVar variation 872930 (VCV000872930.7), dbSNP rs1778987915, ClinGen allele CA366627919.

ClinVar aggregate classification (germline): Pathogenic/Likely pathogenic. Review status: criteria provided, multiple submitters, no conflicts (2 of 4 stars). 3 submissions from 3 submitters: Pathogenic (1); Likely pathogenic (1). 1 of the submissions does not count toward it. Last evaluated 2024-10-23.

Conditions:
Neonatal-onset encephalopathy with rigidity and seizures. Also called: Lethal neonatal spasticity-epileptic encephalopathy syndrome. Identifiers: Orphanet 435845, MedGen C3281029, MONDO:0013784, OMIM 614498.
BRAT1-related disorder. Also called: BRAT1-related condition; BRAT1-related disorders.

Submissions (3):

Labcorp Genetics (formerly Invitae), Labcorp
Classification: Likely pathogenic for Neonatal-onset encephalopathy with rigidity and seizures. Last evaluated: 2024-10-23. Review status: criteria provided, single submitter. Criteria: Invitae Variant Classification Sherloc (09022015). Collection method: clinical testing. Allele origin: germline.
Comment: This sequence change affects an acceptor splice site in intron 11 of the BRAT1 gene. It is expected to disrupt RNA splicing. Variants that disrupt the donor or acceptor splice site typically lead to a loss of protein function (PMID: 16199547), and loss-of-function variants in BRAT1 are known to be pathogenic (PMID: 22279524, 25500575). This variant is not present in population databases (gnomAD no frequency). Disruption of this splice site has been observed in individual(s) with BRAT1-related conditions (PMID: 33040300). ClinVar contains an entry for this variant (Variation ID: 872930). Algorithms developed to predict the effect of sequence changes on RNA splicing suggest that this variant may disrupt the consensus splice site. In summary, the currently available evidence indicates that the variant is pathogenic, but additional data are needed to prove that conclusively. Therefore, this variant has been classified as Likely Pathogenic.

Blueprint Genetics
Classification: Pathogenic for BRAT1-related disorders. Last evaluated: 2021-06-01. Review status: criteria provided, single submitter. Criteria: ACMG Guidelines, 2015. Collection method: clinical testing. Allele origin: germline. Affected: yes. Observed: 2 variant alleles.

Dr Sami Ulus Medical Genetics Department, Dr Sami Ulus Training and Research Hospital for Maternity and Children's Health and Diseases
Classification: Pathogenic for Neonatal-onset encephalopathy with rigidity and seizures. Last evaluated: 2020-04-14. Review status: no assertion criteria provided. Collection method: clinical testing. Allele origin: inherited. Inheritance: Autosomal recessive inheritance. Affected: yes. Observed: 1 homozygote. Not counted in ClinVar's aggregate classification.
Comment: This mutation was not found in publicly available databases, including gnomAD database or among our in-house control clinical exomes. In silico predictions indicating that the variant is probably pathogenic by affecting pre-mRNA splicing were verified by genetic analysis based on reverse transcription of the patient's RNA followed by PCR amplifications and Sanger sequencing performed on cDNA. Sanger sequencing of cDNA revealed that the c.1499-1G>T variant disrupts the original acceptor splice site and activates a cryptic splice site only two nucleotides downstream of the pathogenic variant site. This change causes the deletion of the first two nucleotides of exon 12, leading to a frameshift (Glu500Alafs*36) in the mRNA of the BRAT1.

Literature cited by the submitters: PubMed 16199547 (cited by Labcorp Genetics (formerly Invitae), Labcorp); PubMed 22279524 (cited by Labcorp Genetics (formerly Invitae), Labcorp); PubMed 25500575 (cited by Labcorp Genetics (formerly Invitae), Labcorp); PubMed 33040300 (cited by Labcorp Genetics (formerly Invitae), Labcorp).